The following is an entry in ClinVar:

ClinVar aggregate classification (germline): Uncertain significance (1 of 4 stars; one submission).

Allele frequency attached by ClinVar (database versions not stated): gnomAD exomes below 0.00001.

Submission:

CeGaT Center for Human Genetics Tuebingen
Classification: Uncertain significance. Last evaluated: 2022-03-01. Review status: criteria provided, single submitter. Criteria: CeGaT Center For Human Genetics Tuebingen Variant Classification Criteria Version 2. Collection method: clinical testing. Allele origin: germline. Affected: yes. Observed: 1 variant allele.
Comment: CHCHD2: PM2

NM_016139.4(CHCHD2):c.125C>T (p.Ala42Val)

Gene: CHCHD2 (coiled-coil-helix-coiled-coil-helix domain containing 2; minus strand). Cytogenetic location: 7p11.2.
Variant type: single nucleotide variant.
Coding change: c.125C>T on transcript NM_016139.4 (MANE Select); coding-DNA position 125, C replaced by T.
Protein change: p.Ala42Val; replaces alanine 42 with valine.
Molecular consequence: missense variant.
Genome position (GRCh38, 1-based): chr7:56,104,401, G>A on the plus strand (C>T on the coding strand, the complement: CHCHD2 is on the minus strand). VCF-style: chr7-56104401-G-A. GRCh37 (hg19) VCF-style: chr7-56172094-G-A.
Other names: c.125C>T, p.Ala42Val (NM_001320327.2); short protein forms A42V.
Identifiers: ClinVar variation 2657515 (VCV002657515.24), dbSNP rs2535863465, ClinGen allele CA367612942.